The following is an entry in ClinVar:

ClinVar aggregate classification (germline): Likely pathogenic (1 of 4 stars; one submission).

Submission:

GeneDx
Classification: Likely pathogenic. Last evaluated: 2015-04-09. Review status: criteria provided, single submitter. Criteria: GeneDx Variant Classification (06012015). Collection method: clinical testing. Allele origin: germline. Affected: yes.
Comment: While the V41L variant in theKCNH2 gene has not been reported to our knowledge, variants affecting this same residue (V41F and V41A)have been reported in association with LQTS (Kapplinger et al., 2009; Nagaoka et al., 2008). Variants innearby residues (R35W, C39R, I42N, Y43D, Y43C) have also been reported in HGMD in association withLQTS (Stenson P et al., 2014), further supporting the functional importance of this region of the protein. TheV41L variant is a conservative amino acid substitution at a position that is conserved among mammals.Furthermore, the V41L variant was not observed in approximately 6500 individuals of European and AfricanAmerican ancestry in the NHLBI Exome Sequencing Project, indicating it is not a common benign variant inthese populations.Therefore, this variant is a strong candidate for a pathogenic mutation, however the possibility that it is abenign variant cannot be excluded.

NM_000238.4(KCNH2):c.121G>C (p.Val41Leu)

Gene: KCNH2 (potassium voltage-gated channel subfamily H member 2; minus strand). Cytogenetic location: 7q36.1.
Variant type: single nucleotide variant.
Coding change: c.121G>C on transcript NM_000238.4 (MANE Select); coding-DNA position 121, G replaced by C.
Protein change: p.Val41Leu; replaces valine 41 with leucine.
Molecular consequence: missense variant.
Genome position (GRCh38, 1-based): chr7:150,974,897, C>G on the plus strand (G>C on the coding strand, the complement: KCNH2 is on the minus strand). VCF-style: chr7-150974897-C-G. GRCh37 (hg19) VCF-style: chr7-150671985-C-G.
Other names: c.-57G>C (NM_001406755.1); c.121G>C, p.Val41Leu (NM_172056.3); short protein forms V41L.
Identifiers: ClinVar variation 372589 (VCV000372589.3), dbSNP rs199472835, ClinGen allele CA16042697.